The following is an entry in ClinVar:

NM_003482.4(KMT2D):c.14846C>T (p.Pro4949Leu)

Gene: KMT2D (lysine methyltransferase 2D; minus strand). Cytogenetic location: 12q13.12.
Variant type: single nucleotide variant.
Coding change: c.14846C>T on transcript NM_003482.4 (MANE Select); coding-DNA position 14846, C replaced by T.
Protein change: p.Pro4949Leu; replaces proline 4949 with leucine.
Molecular consequence: missense variant.
Genome position (GRCh38, 1-based): chr12:49,027,120, G>A on the plus strand (C>T on the coding strand, the complement: KMT2D is on the minus strand). VCF-style: chr12-49027120-G-A. GRCh37 (hg19) VCF-style: chr12-49420903-G-A.
Other names: short protein forms P4949L.
Identifiers: ClinVar variation 2006658 (VCV002006658.4), dbSNP rs2120368185, ClinGen allele CA384691542.

ClinVar aggregate classification (germline): Uncertain significance (1 of 4 stars; one submission).

Conditions:
Kabuki syndrome. Also called: NIIKAWA-KUROKI SYNDROME; Kabuki make-up syndrome. Identifiers: Orphanet 2322, MedGen C0796004, MONDO:0016512.

Submission:

Labcorp Genetics (formerly Invitae), Labcorp
Classification: Uncertain significance for Kabuki syndrome. Last evaluated: 2022-06-14. Review status: criteria provided, single submitter. Criteria: Invitae Variant Classification Sherloc (09022015). Collection method: clinical testing. Allele origin: germline.
Comment: Advanced modeling of protein sequence and biophysical properties (such as structural, functional, and spatial information, amino acid conservation, physicochemical variation, residue mobility, and thermodynamic stability) performed at Invitae indicates that this missense variant is not expected to disrupt KMT2D protein function. This variant has not been reported in the literature in individuals affected with KMT2D-related conditions. This variant is not present in population databases (gnomAD no frequency). This sequence change replaces proline, which is neutral and non-polar, with leucine, which is neutral and non-polar, at codon 4949 of the KMT2D protein (p.Pro4949Leu). In summary, the available evidence is currently insufficient to determine the role of this variant in disease. Therefore, it has been classified as a Variant of Uncertain Significance.